The following is an entry in ClinVar:

ClinVar aggregate classification (germline): Uncertain significance (1 of 4 stars; one submission).

Conditions:
Cardiovascular phenotype. Identifiers: MedGen CN230736.

Submission:

Ambry Genetics
Classification: Uncertain significance for Cardiovascular phenotype. Last evaluated: 2025-04-19. Review status: criteria provided, single submitter. Criteria: Ambry Variant Classification Scheme 2023. Collection method: clinical testing. Allele origin: germline.
Comment: The p.E239K variant (also known as c.715G>A), located in coding exon 1 of the MYPN gene, results from a G to A substitution at nucleotide position 715. The glutamic acid at codon 239 is replaced by lysine, an amino acid with similar properties. This amino acid position is conserved. In addition, this alteration is predicted to be tolerated by in silico analysis. Based on the available evidence, the clinical significance of this variant remains unclear.

NM_032578.4(MYPN):c.715G>A (p.Glu239Lys)

Gene: MYPN (myopalladin; plus strand). Cytogenetic location: 10q21.3.
Variant type: single nucleotide variant.
Coding change: c.715G>A on transcript NM_032578.4 (MANE Select); coding-DNA position 715, G replaced by A.
Protein change: p.Glu239Lys; replaces glutamic acid 239 with lysine.
Molecular consequence: missense variant. On other transcripts: 5 prime UTR variant (1), non-coding transcript variant (1).
Genome position (GRCh38, 1-based): chr10:68,122,153, G>A. VCF-style: chr10-68122153-G-A. GRCh37 (hg19) VCF-style: chr10-69881910-G-A.
Other names: c.715G>A, p.Glu239Lys (NM_001256267.2); c.-408G>A (NM_001256268.2); short protein forms E239K.
Identifiers: ClinVar variation 3916689 (VCV003916689.1).
Genomic context (GRCh38, chr10:68,122,153, plus strand): 5'-ACCAGGGATAATGAAGTGAATCACGCCCTGGAACAGCAGGAAGCCAAGAGGCGTGAAGCG[G>A]AGCAGGCTGCCAGTGAGGCGGCTGGTGGAGACACTACACCAGGGTCTTCCCCTTCATCTC-3'
Protein context (NP_115967.2, residues 229-249): EQQEAKRREA[Glu239Lys]QAASEAAGGD